The following is an entry in ClinVar:

NM_021098.3(CACNA1H):c.2420C>T (p.Thr807Met)

Gene: CACNA1H (calcium voltage-gated channel subunit alpha1 H; plus strand). Cytogenetic location: 16p13.3.
Variant type: single nucleotide variant.
Coding change: c.2420C>T on transcript NM_021098.3 (MANE Select); coding-DNA position 2420, C replaced by T.
Protein change: p.Thr807Met; replaces threonine 807 with methionine.
Molecular consequence: missense variant.
Genome position (GRCh38, 1-based): chr16:1,204,427, C>T. VCF-style: chr16-1204427-C-T. GRCh37 (hg19) VCF-style: chr16-1254427-C-T.
Other names: c.2420C>T, p.Thr807Met (NM_001005407.2); short protein forms T807M.
Identifiers: ClinVar variation 964949 (VCV000964949.9), dbSNP rs773952204, ClinGen allele CA7800240.

ClinVar aggregate classification (germline): Uncertain significance (1 of 4 stars; one submission).

Conditions:
Idiopathic generalized epilepsy. Also called: Generalised epilepsy; EIG. Identifiers: MedGen C0270850, MONDO:0005579, OMIM 600669.
Hyperaldosteronism, familial, type IV (HALD4). Also called: FH IV; ALDOSTERONISM, PRIMARY, AND HYPERTENSION. Identifiers: Orphanet 642671, MedGen C4310756, MONDO:0014875, OMIM 617027.

Allele frequency attached by ClinVar (database versions not stated): gnomAD exomes 0.00001 and 0.00007; gnomAD 0.00003 and 0.00005; TOPMed 0.00005; ExAC 0.00008.
gnomAD v4.1: 29 of 1,549,202 alleles (0.0019%); highest among the groups gnomAD compares: Admixed American, 0.021%; no homozygotes.

Submission:

Labcorp Genetics (formerly Invitae), Labcorp
Classification: Uncertain significance for Idiopathic generalized epilepsy; Hyperaldosteronism, familial, type IV. Last evaluated: 2025-11-27. Review status: criteria provided, single submitter. Criteria: Invitae Variant Classification Sherloc (09022015). Collection method: clinical testing. Allele origin: germline.
Comment: This sequence change replaces threonine, which is neutral and polar, with methionine, which is neutral and non-polar, at codon 807 of the CACNA1H protein (p.Thr807Met). This variant is present in population databases (rs773952204, gnomAD 0.04%), and has an allele count higher than expected for a pathogenic variant. This variant has not been reported in the literature in individuals affected with CACNA1H-related conditions. ClinVar contains an entry for this variant (Variation ID: 964949). Invitae Evidence Modeling of protein sequence and biophysical properties (such as structural, functional, and spatial information, amino acid conservation, physicochemical variation, residue mobility, and thermodynamic stability) indicates that this missense variant is expected to disrupt CACNA1H protein function with a positive predictive value of 80%. In summary, the available evidence is currently insufficient to determine the role of this variant in disease. Therefore, it has been classified as a Variant of Uncertain Significance.